The following is an entry in ClinVar:

NM_000130.5(F5):c.*838T>C

Gene: F5 (coagulation factor V; minus strand). Cytogenetic location: 1q24.2.
Variant type: single nucleotide variant.
Coding change: c.*838T>C on transcript NM_000130.5 (MANE Select); 838 bases downstream of the stop codon, T replaced by C.
Molecular consequence: 3 prime UTR variant.
Genome position (GRCh38, 1-based): chr1:169,513,475, A>G on the plus strand (T>C on the coding strand, the complement: F5 is on the minus strand). VCF-style: chr1-169513475-A-G. GRCh37 (hg19) VCF-style: chr1-169482713-A-G.
Identifiers: ClinVar variation 293557 (VCV000293557.6), dbSNP rs376103455, ClinGen allele CA10608681.

ClinVar aggregate classification (germline): Conflicting classifications of pathogenicity. Review status: criteria provided, conflicting classifications (1 of 4 stars). 3 submissions from 1 submitter: Uncertain significance (1); Likely benign (2). Last evaluated 2018-01-13.

Conditions:
Factor V deficiency. Also called: Reduced coagulation factor V activity. Identifiers: Orphanet 326, MedGen C4317320, MONDO:0020586, HP:0003225.
Thrombophilia due to thrombin defect (THPH1). Also called: Thrombosis susceptibility; THROMBOPHILIA DUE TO FACTOR 2 DEFECT; Prothrombin-Related Thrombophilia (Factor II); Prothrombin Thrombophilia. Identifiers: MedGen C3160733, MONDO:0008559, OMIM 188050. Disease mechanism: gain of function, loss of function.
Budd-Chiari syndrome (BDCHS). Also called: Hepatic vein obstruction. Identifiers: Orphanet 131, MedGen C0856761, MONDO:0010947, OMIM 600880, HP:0002639.

Allele frequency attached by ClinVar (database versions not stated): gnomAD 0.00016 and 0.00025; TOPMed 0.00022; 1000 Genomes Project 30x 0.00141; 1000 Genomes Project 0.00200.
gnomAD v4.1: 38 of 152,262 alleles (0.025%); highest among the groups gnomAD compares: East Asian, 0.73%; no homozygotes.

Submissions (3):

Illumina Laboratory Services, Illumina
Classification: Uncertain significance for Budd-Chiari syndrome. Last evaluated: 2018-01-13. Review status: criteria provided, single submitter. Criteria: ICSL Variant Classification Criteria 13 December 2019. Collection method: clinical testing. Allele origin: germline.

Illumina Laboratory Services, Illumina
Classification: Likely benign for Venous thrombosis. Last evaluated: 2018-01-13. Review status: criteria provided, single submitter. Criteria: ICSL Variant Classification Criteria 13 December 2019. Collection method: clinical testing. Allele origin: germline.
Comment: This variant was observed in the ICSL laboratory as part of a predisposition screen in an ostensibly healthy population. It had not been previously curated by ICSL or reported in the Human Gene Mutation Database (HGMD: prior to June 1st, 2018), and was therefore a candidate for classification through an automated scoring system. Utilizing variant allele frequency, disease prevalence and penetrance estimates, and inheritance mode, an automated score was calculated to assess if this variant is too frequent to cause the disease. Based on the score and internal cut-off values, a variant classified as likely benign is not then subjected to further curation. The score for this variant resulted in a classification of likely benign for this disease.

Illumina Laboratory Services, Illumina
Classification: Likely benign for Congenital factor V deficiency. Last evaluated: 2018-01-13. Review status: criteria provided, single submitter. Criteria: ICSL Variant Classification Criteria 13 December 2019. Collection method: clinical testing. Allele origin: germline.
Comment: the same text as in the submission from Illumina Laboratory Services, Illumina above.